The following is an entry in ClinVar:

ClinVar aggregate classification (germline): Uncertain significance. Review status: criteria provided, multiple submitters, no conflicts (2 of 4 stars). 2 submissions from 2 submitters: Uncertain significance (2). Last evaluated 2025-07-15.

Allele frequency attached by ClinVar (database versions not stated): ExAC 0.00002; gnomAD exomes 0.00002; TOPMed 0.00002; gnomAD 0.00003.
gnomAD v4.1: 34 of 1,609,304 alleles (0.0021%); highest among the groups gnomAD compares: Non-Finnish European, 0.0025%; no homozygotes.

Submissions (2):

Labcorp Genetics (formerly Invitae), Labcorp
Classification: Uncertain significance. Last evaluated: 2025-07-15. Review status: criteria provided, single submitter. Criteria: Invitae Variant Classification Sherloc (09022015). Collection method: clinical testing. Allele origin: germline.
Comment: This sequence change replaces alanine, which is neutral and non-polar, with threonine, which is neutral and polar, at codon 287 of the ARHGEF1 protein (p.Ala287Thr). This variant is present in population databases (rs781934892, gnomAD 0.006%). This variant has not been reported in the literature in individuals affected with ARHGEF1-related conditions. ClinVar contains an entry for this variant (Variation ID: 2415302). An algorithm developed to predict the effect of missense changes on protein structure and function (PolyPhen-2) suggests that this variant is likely to be disruptive. In summary, the available evidence is currently insufficient to determine the role of this variant in disease. Therefore, it has been classified as a Variant of Uncertain Significance.

Blueprint Genetics
Classification: Uncertain significance. Last evaluated: 2024-09-23. Review status: criteria provided, single submitter. Criteria: ACMG Guidelines, 2015. Collection method: clinical testing. Allele origin: germline.

NM_004706.4(ARHGEF1):c.814G>A (p.Ala272Thr)

Gene: ARHGEF1 (Rho guanine nucleotide exchange factor 1; plus strand). Cytogenetic location: 19q13.2.
Variant type: single nucleotide variant.
Coding change: c.814G>A on transcript NM_004706.4 (MANE Select); coding-DNA position 814, G replaced by A.
Protein change: p.Ala272Thr; replaces alanine 272 with threonine.
Molecular consequence: missense variant. On other transcripts: non-coding transcript variant (2).
Genome position (GRCh38, 1-based): chr19:41,894,520, G>A. VCF-style: chr19-41894520-G-A. GRCh37 (hg19) VCF-style: chr19-42398593-G-A.
Other names: c.814G>A, p.Ala272Thr (NM_001396000.1, NM_001396003.1, NM_001396006.1); c.715G>A, p.Ala239Thr (NM_001396002.1, NM_001396004.1, NM_198977.2); c.859G>A, p.Ala287Thr (NM_199002.2); short protein forms A239T, A272T, A287T.
Identifiers: ClinVar variation 2415302 (VCV002415302.7), dbSNP rs781934892, ClinGen allele CA9466069.